The following is an entry in ClinVar:

ClinVar aggregate classification (germline): Uncertain significance (1 of 4 stars; one submission).

Conditions:
Hereditary pancreatitis (PCTT). Also called: Hereditary chronic pancreatitis; PRSS1-Related Hereditary Pancreatitis. Identifiers: Orphanet 676, MedGen C0238339, MONDO:0008185, OMIM 167800.

Submission:

Labcorp Genetics (formerly Invitae), Labcorp
Classification: Uncertain significance for Hereditary pancreatitis. Last evaluated: 2025-06-08. Review status: criteria provided, single submitter. Criteria: Invitae Variant Classification Sherloc (09022015). Collection method: clinical testing. Allele origin: germline.
Comment: This sequence change replaces leucine, which is neutral and non-polar, with proline, which is neutral and non-polar, at codon 5 of the PRSS1 protein (p.Leu5Pro). The frequency data for this variant in the population databases is considered unreliable, as metrics indicate poor data quality at this position in the gnomAD database. This variant has not been reported in the literature in individuals affected with PRSS1-related conditions. Invitae Evidence Modeling of protein sequence and biophysical properties (such as structural, functional, and spatial information, amino acid conservation, physicochemical variation, residue mobility, and thermodynamic stability) has been performed for this missense variant. However, the output from this modeling did not meet the statistical confidence thresholds required to predict the impact of this variant on PRSS1 protein function. In summary, the available evidence is currently insufficient to determine the role of this variant in disease. Therefore, it has been classified as a Variant of Uncertain Significance.

NM_002769.5(PRSS1):c.14T>C (p.Leu5Pro)

Genes: PRSS1 (serine protease 1; plus strand), TRB (T cell receptor beta locus; plus strand). Cytogenetic location: 7q34.
Variant type: single nucleotide variant.
Coding change: c.14T>C on transcript NM_002769.5 (MANE Select); coding-DNA position 14, T replaced by C.
Protein change: p.Leu5Pro; replaces leucine 5 with proline.
Molecular consequence: missense variant. On other transcripts: non-coding transcript variant (5).
Genome position (GRCh38, 1-based): chr7:142,749,498, T>C. VCF-style: chr7-142749498-T-C. GRCh37 (hg19) VCF-style: chr7-142457349-T-C.
Other names: short protein forms L5P.
Identifiers: ClinVar variation 4745342 (VCV004745342.1).